The following is an entry in ClinVar:

ClinVar aggregate classification (germline): Benign. Review status: criteria provided, multiple submitters, no conflicts (2 of 4 stars). 2 submissions from 2 submitters: Benign (2). Last evaluated 2018-06-14.

Allele frequency attached by ClinVar (database versions not stated): 1000 Genomes Project 30x 0.21346; 1000 Genomes Project 0.21426; TOPMed 0.28589; gnomAD 0.29612 and 0.29826.
gnomAD v4.1: 228,037 of 690,024 alleles (33%); highest among the groups gnomAD compares: Non-Finnish European, 39%; 41,084 homozygotes.

Submissions (2):

GeneDx
Classification: Benign. Last evaluated: 2018-06-14. Review status: criteria provided, single submitter. Criteria: GeneDx Variant Classification (06012015). Collection method: clinical testing. Allele origin: germline. Affected: yes.
Comment: This variant is considered likely benign or benign based on one or more of the following criteria: it is a conservative change, it occurs at a poorly conserved position in the protein, it is predicted to be benign by multiple in silico algorithms, and/or has population frequency not consistent with disease.

Breakthrough Genomics
Classification: Benign. Review status: criteria provided, single submitter. Criteria: ACMG Guidelines, 2015. Collection method: not provided. Allele origin: germline. Inheritance: Autosomal recessive inheritance. Affected: yes.

NM_001378615.1(CC2D2A):c.1360-119C>A

Genes: CC2D2A (coiled-coil and C2 domain containing 2A; plus strand), FBXL5 (F-box and leucine rich repeat protein 5; minus strand). Cytogenetic location: 4p15.32.
Variant type: single nucleotide variant.
Coding change: c.1360-119C>A on transcript NM_001378615.1 (MANE Select); 119 bases into the intron before coding-DNA position 1360, C replaced by A.
Molecular consequence: intron variant.
Genome position (GRCh38, 1-based): chr4:15,528,501, C>A. VCF-style: chr4-15528501-C-A. GRCh37 (hg19) VCF-style: chr4-15530124-C-A.
Other names: c.1360-119C>A (NM_001080522.2); c.1213-119C>A (NM_001378617.1).
Identifiers: ClinVar variation 674722 (VCV000674722.2), dbSNP rs4698395, ClinGen allele CA11638990.